The following is an entry in ClinVar:

ClinVar aggregate classification (germline): Uncertain significance (1 of 4 stars; one submission).

Submission:

GeneDx
Classification: Uncertain significance. Last evaluated: 2025-07-22. Review status: criteria provided, single submitter. Criteria: GeneDx Variant Classification Process June 2021. Collection method: clinical testing. Allele origin: germline. Affected: yes.
Comment: Not observed at significant frequency in large population cohorts (gnomAD); In silico analysis supports that this missense variant has a deleterious effect on protein structure/function; Has not been previously published as pathogenic or benign to our knowledge

NM_004770.3(KCNB2):c.512G>A (p.Cys171Tyr)

Gene: KCNB2 (potassium voltage-gated channel subfamily B member 2; plus strand). Cytogenetic location: 8q21.11.
Variant type: single nucleotide variant.
Coding change: c.512G>A on transcript NM_004770.3 (MANE Select); coding-DNA position 512, G replaced by A.
Protein change: p.Cys171Tyr; replaces cysteine 171 with tyrosine.
Molecular consequence: missense variant.
Genome position (GRCh38, 1-based): chr8:72,568,246, G>A. VCF-style: chr8-72568246-G-A. GRCh37 (hg19) VCF-style: chr8-73480481-G-A.
Other names: short protein forms C171Y.
Identifiers: ClinVar variation 4686852 (VCV004686852.1).